The following is an entry in ClinVar:

ClinVar aggregate classification (germline): Likely benign (1 of 4 stars; one submission).

Allele frequency attached by ClinVar (database versions not stated): TOPMed 0.00001.

Submission:

GeneDx
Classification: Likely benign. Last evaluated: 2018-06-05. Review status: criteria provided, single submitter. Criteria: GeneDx Variant Classification (06012015). Collection method: clinical testing. Allele origin: germline. Affected: yes.
Comment: This variant is considered likely benign or benign based on one or more of the following criteria: it is a conservative change, it occurs at a poorly conserved position in the protein, it is predicted to be benign by multiple in silico algorithms, and/or has population frequency not consistent with disease.

NM_182961.4(SYNE1):c.19471-19C>A

Gene: SYNE1 (spectrin repeat containing nuclear envelope protein 1; minus strand). Cytogenetic location: 6q25.2.
Variant type: single nucleotide variant.
Coding change: c.19471-19C>A on transcript NM_182961.4 (MANE Select); 19 bases into the intron before coding-DNA position 19471, C replaced by A.
Molecular consequence: intron variant.
Genome position (GRCh38, 1-based): chr6:152,249,281, G>T on the plus strand (C>A on the coding strand, the complement: SYNE1 is on the minus strand). VCF-style: chr6-152249281-G-T. GRCh37 (hg19) VCF-style: chr6-152570416-G-T.
Other names: c.19258-19C>A (NM_033071.5).
Identifiers: ClinVar variation 669240 (VCV000669240.1), dbSNP rs762155867, ClinGen allele CA571130350.